The following is an entry in ClinVar:

NM_005859.5(PURA):c.849G>A (p.Glu283=)

Gene: PURA (purine rich element binding protein A; plus strand). Cytogenetic location: 5q31.3.
Variant type: single nucleotide variant.
Coding change: c.849G>A on transcript NM_005859.5 (MANE Select); coding-DNA position 849, G replaced by A.
Protein change: p.Glu283=; no amino-acid change (glutamic acid 283 retained).
Molecular consequence: synonymous variant.
Genome position (GRCh38, 1-based): chr5:140,115,030, G>A. VCF-style: chr5-140115030-G-A. GRCh37 (hg19) VCF-style: chr5-139494615-G-A.
Identifiers: ClinVar variation 3642858 (VCV003642858.2).
Genomic context (GRCh38, chr5:140,115,030, plus strand): 5'-GTGGGCCAAGTTCGGACACACCTTCTGCAAGTACTCGGAGGAGATGAAGAAGATTCAAGA[G>A]AAGCAGAGGGAGAAGCGGGCTGCCTGTGAGCAGCTTCACCAGCAGCAACAGCAGCAGCAG-3'
Protein context (NP_005850.1, residues 273-293): KYSEEMKKIQ[Glu283=]KQREKRAACE

ClinVar aggregate classification (germline): Uncertain significance (1 of 4 stars; one submission).

Conditions:
PURA-related severe neonatal hypotonia-seizures-encephalopathy syndrome (NEDRIHF). Also called: PURA-Related Neurodevelopmental Disorders; NEURODEVELOPMENTAL DISORDER WITH NEONATAL RESPIRATORY INSUFFICIENCY, HYPOTONIA, AND FEEDING DIFFICULTIES. Identifiers: Orphanet 438213, Orphanet 438216, MedGen C4015357, MONDO:1060108, OMIM 616158, MONDO:0018580.

Submission:

Labcorp Genetics (formerly Invitae), Labcorp
Classification: Uncertain significance for PURA-related severe neonatal hypotonia-seizures-encephalopathy syndrome. Last evaluated: 2024-02-23. Review status: criteria provided, single submitter. Criteria: Invitae Variant Classification Sherloc (09022015). Collection method: clinical testing. Allele origin: germline.
Comment: This sequence change affects codon 283 of the PURA mRNA. It is a 'silent' change, meaning that it does not change the encoded amino acid sequence of the PURA protein. This variant is not present in population databases (gnomAD no frequency). This variant has not been reported in the literature in individuals affected with PURA-related conditions. In summary, the available evidence is currently insufficient to determine the role of this variant in disease. Therefore, it has been classified as a Variant of Uncertain Significance.